The following is an entry in ClinVar:

NM_000234.3(LIG1):c.1555G>T (p.Val519Leu)

Gene: LIG1 (DNA ligase 1; minus strand). Cytogenetic location: 19q13.33.
Variant type: single nucleotide variant.
Coding change: c.1555G>T on transcript NM_000234.3 (MANE Select); coding-DNA position 1555, G replaced by T.
Protein change: p.Val519Leu; replaces valine 519 with leucine.
Molecular consequence: missense variant. On other transcripts: non-coding transcript variant (4).
Genome position (GRCh38, 1-based): chr19:48,134,035, C>A on the plus strand (G>T on the coding strand, the complement: LIG1 is on the minus strand). VCF-style: chr19-48134035-C-A. GRCh37 (hg19) VCF-style: chr19-48637292-C-A.
Other names: c.1462G>T, p.Val488Leu (NM_001289063.2); c.1351G>T, p.Val451Leu (NM_001289064.2); c.1552G>T, p.Val518Leu (NM_001320970.2); c.1465G>T, p.Val489Leu (NM_001320971.2); short protein forms V489L, V518L, V519L, V451L, V488L.
Identifiers: ClinVar variation 1906230 (VCV001906230.8), dbSNP rs201483928, ClinGen allele CA9546786.

ClinVar aggregate classification (germline): Uncertain significance. Review status: criteria provided, multiple submitters, no conflicts (2 of 4 stars). 4 submissions from 4 submitters: Uncertain significance (4). Last evaluated 2025-02-24.

Allele frequency attached by ClinVar (database versions not stated): ExAC 0.00009; 1000 Genomes Project 30x 0.00031; 1000 Genomes Project 0.00040.
gnomAD v4.1: 44 of 1,557,718 alleles (0.0028%); highest among the groups gnomAD compares: East Asian, 0.11%; no homozygotes.

Submissions (4):

Labcorp Genetics (formerly Invitae), Labcorp
Classification: Uncertain significance. Last evaluated: 2025-02-24. Review status: criteria provided, single submitter. Criteria: Invitae Variant Classification Sherloc (09022015). Collection method: clinical testing. Allele origin: germline.
Comment: This sequence change replaces valine, which is neutral and non-polar, with leucine, which is neutral and non-polar, at codon 519 of the LIG1 protein (p.Val519Leu). The frequency data for this variant in the population databases is considered unreliable, as metrics indicate poor data quality at this position in the gnomAD database. This variant has not been reported in the literature in individuals affected with LIG1-related conditions. ClinVar contains an entry for this variant (Variation ID: 1906230). An algorithm developed to predict the effect of missense changes on protein structure and function (PolyPhen-2) suggests that this variant is likely to be tolerated. In summary, the available evidence is currently insufficient to determine the role of this variant in disease. Therefore, it has been classified as a Variant of Uncertain Significance.

Blueprint Genetics
Classification: Uncertain significance. Last evaluated: 2024-03-26. Review status: criteria provided, single submitter. Criteria: ACMG Guidelines, 2015. Collection method: clinical testing. Allele origin: germline.

GeneDx
Classification: Uncertain significance. Last evaluated: 2024-02-26. Review status: criteria provided, single submitter. Criteria: GeneDx Variant Classification Process June 2021. Collection method: clinical testing. Allele origin: germline. Affected: yes.
Comment: In silico analysis supports that this missense variant does not alter protein structure/function; Has not been previously published as pathogenic or benign to our knowledge

Ambry Genetics
Classification: Uncertain significance. Last evaluated: 2024-02-12. Review status: criteria provided, single submitter. Criteria: Ambry Variant Classification Scheme 2023. Collection method: clinical testing. Allele origin: germline.